The following is an entry in ClinVar:

ClinVar aggregate classification (germline): Uncertain significance (1 of 4 stars; one submission).

Conditions:
Intellectual developmental disorder, autosomal recessive 52. Also called: Intellectual disability, autosomal recessive 52. Identifiers: Orphanet 88616, MedGen C4225168, MONDO:0014815, OMIM 616887.

Allele frequency attached by ClinVar (database versions not stated): gnomAD exomes below 0.00001.
gnomAD v4.1: 2 of 1,611,602 alleles (0.00012%); highest among the groups gnomAD compares: Non-Finnish European, 0.00017%; no homozygotes.

Submission:

Baylor Genetics
Classification: Uncertain significance for Intellectual developmental disorder, autosomal recessive 52. Last evaluated: 2018-04-03. Review status: criteria provided, single submitter. Criteria: ACMG Guidelines, 2015. Collection method: clinical testing. Allele origin: maternal. Affected: yes.
Comment: This variant was determined to be of uncertain significance according to ACMG Guidelines, 2015 [PMID:25741868].

NM_030805.4(LMAN2L):c.776A>T (p.Asp259Val)

Gene: LMAN2L (lectin, mannose binding 2 like; minus strand). Cytogenetic location: 2q11.2.
Variant type: single nucleotide variant.
Coding change: c.776A>T on transcript NM_030805.4 (MANE Select); coding-DNA position 776, A replaced by T.
Protein change: p.Asp259Val; replaces aspartic acid 259 with valine.
Molecular consequence: missense variant.
Genome position (GRCh38, 1-based): chr2:96,711,664, T>A on the plus strand (A>T on the coding strand, the complement: LMAN2L is on the minus strand). VCF-style: chr2-96711664-T-A. GRCh37 (hg19) VCF-style: chr2-97377401-T-A.
Other names: c.809A>T, p.Asp270Val (NM_001142292.2); c.374A>T, p.Asp125Val (NM_001322346.2, NM_001322354.2); c.395A>T, p.Asp132Val (NM_001322347.2, NM_001322352.2); c.362A>T, p.Asp121Val (NM_001322350.2); c.341A>T, p.Asp114Val (NM_001322351.2, NM_001322355.2, NM_001322356.2); short protein forms D125V, D132V, D121V, D259V, D270V, D114V.
Identifiers: ClinVar variation 1031876 (VCV001031876.1), dbSNP rs2077918865, ClinGen allele CA347710247.
Genomic context (GRCh38, chr2:96,711,664, plus strand): 5'-GTATTGAGAAGAGGCCTCAGTCAGGGCAAACCAAGAGTGCGCGTGGCAGTACCTGAGAGA[T>A]CCCCAGTGATGGAGGAGGTGCCGAAGTAGTAGCCGCGGGGCAGGCGGACTCCGGGCACTT-3'
Protein context (NP_110432.1, residues 249-269): YYFGTSSITG[Asp259Val]LSDNHDVISL